The following is an entry in ClinVar:

ClinVar aggregate classification (germline): Uncertain significance (1 of 4 stars; one submission).

gnomAD v4.1: 5 of 1,612,944 alleles (0.00031%); highest among the groups gnomAD compares: African/African-American, 0.004%; no homozygotes.

Submissions (2):

Women's Health and Genetics/Laboratory Corporation of America, LabCorp
Classification: Uncertain significance. Last evaluated: 2025-09-04. Review status: criteria provided, single submitter. Criteria: LabCorp Variant Classification Summary - May 2015. Collection method: clinical testing. Allele origin: germline.
Comment: Variant summary: SEC23B c.2149G>T (p.Ala717Ser) results in a conservative amino acid change in the encoded protein sequence. Algorithms developed to predict the effect of missense changes on protein structure and function are either unavailable or do not agree on the potential impact of this missense change. Several computational tools predict a significant impact on normal splicing: Two predict the variant weakens a 3' acceptor site. One predicts the variant no significant impact on splicing. One predicts the variant creates a 3' acceptor site. However, these predictions have yet to be confirmed by functional studies. The variant allele was found at a frequency of 4e-06 in 251420 control chromosomes. The available data on variant occurrences in the general population are insufficient to allow any conclusion about variant significance. c.2149G>T has been observed in individual(s) affected with Congenital dyserythropoietic anemia, type II. These data do not allow any conclusion about variant significance. To our knowledge, no experimental evidence demonstrating an impact on protein function has been reported. No submitters have cited clinical-significance assessments for this variant to ClinVar. Based on the evidence outlined above, the variant was classified as uncertain significance.

Dr. Peter K. Rogan Lab, Western University
No classification provided (evidence only). Condition: Acute myeloid leukemia. Review status: no classification provided. Collection method: in vitro. Allele origin: not applicable. Functional consequence: skipped exon, retained intron. Not counted in ClinVar's aggregate classification.

Literature cited by the submitters: PubMed 34365611 (cited by Women's Health and Genetics/Laboratory Corporation of America, LabCorp); PubMed 26522472 (cited by Women's Health and Genetics/Laboratory Corporation of America, LabCorp).

NM_006363.6(SEC23B):c.2149G>T (p.Ala717Ser)

Gene: SEC23B (SEC23 homolog B, COPII component; plus strand). Cytogenetic location: 20p11.23.
Variant type: single nucleotide variant.
Coding change: c.2149G>T on transcript NM_006363.6 (MANE Select); coding-DNA position 2149, G replaced by T.
Protein change: p.Ala717Ser; replaces alanine 717 with serine.
Molecular consequence: missense variant.
Genome position (GRCh38, 1-based): chr20:18,555,108, G>T. VCF-style: chr20-18555108-G-T. GRCh37 (hg19) VCF-style: chr20-18535752-G-T.
Other names: NC_000020.10:g.18535752G>T; c.2149G>T, p.Ala717Ser (NM_001172745.3, NM_032985.6, NM_032986.5); c.2095G>T, p.Ala699Ser (NM_001172746.3); short protein forms A717S, A699S.
Identifiers: ClinVar variation 4448160 (VCV004448160.2).